The following is an entry in ClinVar:

NM_003664.5(AP3B1):c.*1C>A

Gene: AP3B1 (adaptor related protein complex 3 subunit beta 1; minus strand). Cytogenetic location: 5q14.1.
Variant type: single nucleotide variant.
Coding change: c.*1C>A on transcript NM_003664.5 (MANE Select); 1 bases downstream of the stop codon, C replaced by A.
Molecular consequence: 3 prime UTR variant.
Genome position (GRCh38, 1-based): chr5:78,002,901, G>T on the plus strand (C>A on the coding strand, the complement: AP3B1 is on the minus strand). VCF-style: chr5-78002901-G-T. GRCh37 (hg19) VCF-style: chr5-77298725-G-T.
Other names: c.*1C>A (NM_001271769.2).
Identifiers: ClinVar variation 3031082 (VCV003031082.2), dbSNP rs1021165592, ClinGen allele CA121591470.
Genomic context (GRCh38, chr5:78,002,901, plus strand): 5'-CAGTAGTGGATGCCAGGCACTTTTGTTGTGTGCCAGATTCTAAAGTCCAGATGTAAGCAG[G>T]TTACCCCTGAGACAGGACAGGCTTCAGTTCCCGCAGCAGAACAGAGCCAATCACAGTTTT-3'

ClinVar aggregate classification (germline): Likely benign (0 of 4 stars; one submission).

Conditions:
AP3B1-related disorder. Also called: AP3B1-related condition.

Allele frequency attached by ClinVar (database versions not stated): gnomAD exomes below 0.00001; TOPMed 0.00002; gnomAD 0.00003.
gnomAD v4.1: 5 of 1,614,052 alleles (0.00031%); highest among the groups gnomAD compares: African/African-American, 0.0027%; no homozygotes.

Submission:

PreventionGenetics, part of Exact Sciences
Classification: Likely benign for AP3B1-related condition. Last evaluated: 2021-02-09. Review status: no assertion criteria provided. Collection method: clinical testing. Allele origin: germline.
Comment: This variant is classified as likely benign based on ACMG/AMP sequence variant interpretation guidelines (Richards et al. 2015 PMID: 25741868, with internal and published modifications).